The following is an entry in ClinVar:

NM_005502.4(ABCA1):c.3253A>T (p.Ile1085Phe)

Gene: ABCA1 (ATP binding cassette subfamily A member 1; minus strand). Cytogenetic location: 9q31.1.
Variant type: single nucleotide variant.
Coding change: c.3253A>T on transcript NM_005502.4 (MANE Select); coding-DNA position 3253, A replaced by T.
Protein change: p.Ile1085Phe; replaces isoleucine 1085 with phenylalanine.
Molecular consequence: missense variant.
Genome position (GRCh38, 1-based): chr9:104,818,872, T>A on the plus strand (A>T on the coding strand, the complement: ABCA1 is on the minus strand). VCF-style: chr9-104818872-T-A. GRCh37 (hg19) VCF-style: chr9-107581153-T-A.
Other names: short protein forms I1085F.
Identifiers: ClinVar variation 4613268 (VCV004613268.1).
Genomic context (GRCh38, chr9:104,818,872, plus strand): 5'-AGATGATGGCAATCCTGTCCCCCAGGACGTCCGCTTCATCCATGTGGTGTGTAGAGAGAA[T>A]AATGGTGCGGCCTGCCAGGCACAAACACAAGGATGTGGGACAGGTGAGGCCTCTCAGTTC-3'
Protein context (NP_005493.2, residues 1075-1095): LLKYRQGRTI[Ile1085Phe]LSTHHMDEAD

ClinVar aggregate classification (germline): Uncertain significance (1 of 4 stars; one submission).

Conditions:
Cardiovascular phenotype. Identifiers: MedGen CN230736.

gnomAD v4.1: 2 of 1,613,150 alleles (0.00012%); highest among the groups gnomAD compares: African/African-American, 0.0027%; no homozygotes.

Submission:

Ambry Genetics
Classification: Uncertain significance for Cardiovascular phenotype. Last evaluated: 2025-11-04. Review status: criteria provided, single submitter. Criteria: Ambry Variant Classification Scheme 2023. Collection method: clinical testing. Allele origin: germline.
Comment: The p.I1085F variant (also known as c.3253A>T), located in coding exon 22 of the ABCA1 gene, results from an A to T substitution at nucleotide position 3253. The isoleucine at codon 1085 is replaced by phenylalanine, an amino acid with highly similar properties. This amino acid position is conserved. In addition, this alteration is predicted to be deleterious by in silico analysis. Based on the available evidence, the clinical significance of this variant remains unclear.